The following is an entry in ClinVar:

NM_001711.6(BGN):c.238+6T>A

Gene: BGN (biglycan; plus strand). Cytogenetic location: Xq28.
Variant type: single nucleotide variant.
Coding change: c.238+6T>A on transcript NM_001711.6 (MANE Select); 6 bases into the intron after coding-DNA position 238, T replaced by A.
Molecular consequence: intron variant.
Genome position (GRCh38, 1-based): chrX:153,504,875, T>A. VCF-style: chrX-153504875-T-A. GRCh37 (hg19) VCF-style: chrX-152770333-T-A.
Other names: c.238+6T>A (NM_001711.5).
Identifiers: ClinVar variation 3726144 (VCV003726144.3).

ClinVar aggregate classification (germline): Uncertain significance. Review status: criteria provided, multiple submitters, no conflicts (2 of 4 stars). 2 submissions from 2 submitters: Uncertain significance (2). Last evaluated 2026-07-14.

Conditions:
BGN-related disorder. Also called: BGN-related condition.

Submissions (2):

PreventionGenetics, part of Exact Sciences
Classification: Uncertain significance for BGN-related condition. Last evaluated: 2026-07-14. Review status: criteria provided, single submitter. Criteria: ACMG Guidelines, 2015. Collection method: clinical testing. Allele origin: germline.
Comment: The BGN c.238+6T>A variant is predicted to interfere with splicing. To our knowledge, this variant has not been reported in the literature or in a large population database (gnomAD), indicating this variant is rare. At this time, the clinical significance of this variant is uncertain due to the absence of conclusive functional and genetic evidence.

Labcorp Genetics (formerly Invitae), Labcorp
Classification: Uncertain significance. Last evaluated: 2024-11-27. Review status: criteria provided, single submitter. Criteria: Invitae Variant Classification Sherloc (09022015). Collection method: clinical testing. Allele origin: germline.
Comment: This sequence change falls in intron 2 of the BGN gene. It does not directly change the encoded amino acid sequence of the BGN protein. It affects a nucleotide within the consensus splice site. This variant is not present in population databases (gnomAD no frequency). This variant has not been reported in the literature in individuals affected with BGN-related conditions. Variants that disrupt the consensus splice site are a relatively common cause of aberrant splicing (PMID: 17576681, 9536098). Algorithms developed to predict the effect of sequence changes on RNA splicing suggest that this variant may disrupt the consensus splice site. In summary, the available evidence is currently insufficient to determine the role of this variant in disease. Therefore, it has been classified as a Variant of Uncertain Significance.

Literature cited by the submitters: PubMed 17576681 (cited by Labcorp Genetics (formerly Invitae), Labcorp); PubMed 9536098 (cited by Labcorp Genetics (formerly Invitae), Labcorp).